The following is an entry in ClinVar:

ClinVar aggregate classification (germline): Uncertain significance (1 of 4 stars; one submission).

Submission:

Ambry Genetics
Classification: Uncertain significance. Last evaluated: 2024-08-05. Review status: criteria provided, single submitter. Criteria: Ambry Variant Classification Scheme 2023. Collection method: clinical testing. Allele origin: germline.
Comment: The p.L100M variant (also known as c.298C>A), located in coding exon 1 of the GALNT12 gene, results from a C to A substitution at nucleotide position 298. The leucine at codon 100 is replaced by methionine, an amino acid with highly similar properties. This amino acid position is conserved. In addition, this alteration is predicted to be tolerated by in silico analysis. Based on the available evidence, the clinical significance of this variant remains unclear.

NM_024642.5(GALNT12):c.298C>A (p.Leu100Met)

Gene: GALNT12 (polypeptide N-acetylgalactosaminyltransferase 12; plus strand). Cytogenetic location: 9q22.33.
Variant type: single nucleotide variant.
Coding change: c.298C>A on transcript NM_024642.5 (MANE Select); coding-DNA position 298, C replaced by A.
Protein change: p.Leu100Met; replaces leucine 100 with methionine.
Molecular consequence: missense variant.
Genome position (GRCh38, 1-based): chr9:98,807,996, C>A. VCF-style: chr9-98807996-C-A. GRCh37 (hg19) VCF-style: chr9-101570278-C-A.
Other names: short protein forms L100M.
Identifiers: ClinVar variation 3518490 (VCV003518490.1).
Genomic context (GRCh38, chr9:98,807,996, plus strand): 5'-GAGGCGGTGCGGCTGCAGCTGCAGGGCGAGGAGCTGCGGCTGCAGGAGGAGAGCGTGCGG[C>A]TGCACCAGATTAACATCTACCTCAGCGACCGCATCTCACTGCACCGCCGCCTGCCCGAGC-3'
Protein context (NP_078918.3, residues 90-110): ELRLQEESVR[Leu100Met]HQINIYLSDR